The following is an entry in ClinVar:

ClinVar aggregate classification (germline): Benign/Likely benign. Review status: criteria provided, multiple submitters, no conflicts (2 of 4 stars). 2 submissions from 2 submitters: Benign (1); Likely benign (1). Last evaluated 2022-07-01.

Allele frequency attached by ClinVar (database versions not stated): 1000 Genomes Project 0.00040; 1000 Genomes Project 30x 0.00062; gnomAD 0.00147 and 0.00152; TOPMed 0.00151; gnomAD exomes 0.00155 and 0.00265; ESP Exome Variant Server 0.00205; ExAC 0.00217.
gnomAD v4.1: 4,007 of 1,581,756 alleles (0.25%); highest among the groups gnomAD compares: Non-Finnish European, 0.31%; 48 homozygotes.

Submissions (2):

CeGaT Center for Human Genetics Tuebingen
Classification: Benign. Last evaluated: 2022-07-01. Review status: criteria provided, single submitter. Criteria: CeGaT Center For Human Genetics Tuebingen Variant Classification Criteria Version 2. Collection method: clinical testing. Allele origin: germline. Affected: yes. Observed: 1 variant allele.
Comment: MUC5B: BP4, BP7, BS1, BS2

Laboratory for Molecular Medicine, Mass General Brigham Personalized Medicine
Classification: Likely benign. Last evaluated: 2016-03-28. Review status: criteria provided, single submitter. Criteria: LMM Criteria. Collection method: clinical testing. Allele origin: germline.
Comment: Variant identified in a genome or exome case(s) and assessed due to predicted null impact of the variant or pathogenic assertions in the literature or databases. Disclaimer: This variant has not undergone full assessment. The following are preliminary notes: Silent variant not near splice site

NM_002458.3(MUC5B):c.8709G>A (p.Ala2903=)

Genes: MUC5B (mucin 5B, oligomeric mucus/gel-forming; plus strand), MUC5B-AS1 (MUC5B antisense RNA 1; minus strand). Cytogenetic location: 11p15.5.
Variant type: single nucleotide variant.
Coding change: c.8709G>A on transcript NM_002458.3 (MANE Select); coding-DNA position 8709, G replaced by A.
Protein change: p.Ala2903=; no amino-acid change (alanine 2903 retained).
Molecular consequence: synonymous variant.
Genome position (GRCh38, 1-based): chr11:1,245,589, G>A. VCF-style: chr11-1245589-G-A. GRCh37 (hg19) VCF-style: chr11-1266819-G-A.
Identifiers: ClinVar variation 403182 (VCV000403182.28), dbSNP rs371299435, ClinGen allele CA5806716.